The following is an entry in ClinVar:

NC_000005.10:g.54455661C>T

Gene: HSPB3 (heat shock protein family B (small) member 3; plus strand). Cytogenetic location: 5q11.2.
Variant type: single nucleotide variant.
Genome position: GRCh38 VCF-style: chr5-54455661-C-T. GRCh37 (hg19) VCF-style: chr5-53751491-C-T.
Identifiers: ClinVar variation 353895 (VCV000353895.30), dbSNP rs577774043, ClinGen allele CA10624979.

ClinVar aggregate classification (germline): Benign/Likely benign. Review status: criteria provided, multiple submitters, no conflicts (2 of 4 stars). 2 submissions from 2 submitters: Benign (1); Likely benign (1). Last evaluated 2022-07-01.

Allele frequency attached by ClinVar (database versions not stated): 1000 Genomes Project 30x 0.00078; gnomAD 0.00078 and 0.00082; 1000 Genomes Project 0.00080; TOPMed 0.00093; gnomAD exomes 0.00115.

Submissions (2):

CeGaT Center for Human Genetics Tuebingen
Classification: Benign. Last evaluated: 2022-07-01. Review status: criteria provided, single submitter. Criteria: CeGaT Center For Human Genetics Tuebingen Variant Classification Criteria Version 2. Collection method: clinical testing. Allele origin: germline. Affected: yes. Observed: 1 variant allele.
Comment: HSPB3: BS1, BS2

Breakthrough Genomics
Classification: Likely benign. Review status: criteria provided, single submitter. Criteria: ACMG Guidelines, 2015. Collection method: not provided. Allele origin: germline. Inheritance: Autosomal dominant inheritance. Affected: yes.